The following is an entry in ClinVar:

ClinVar aggregate classification (germline): Uncertain significance (1 of 4 stars; one submission).

Submission:

Labcorp Genetics (formerly Invitae), Labcorp
Classification: Uncertain significance. Last evaluated: 2024-02-26. Review status: criteria provided, single submitter. Criteria: Invitae Variant Classification Sherloc (09022015). Collection method: clinical testing. Allele origin: germline.
Comment: This sequence change replaces glutamine, which is neutral and polar, with histidine, which is basic and polar, at codon 60 of the CACNA1E protein (p.Gln60His). This variant is not present in population databases (gnomAD no frequency). This variant has not been reported in the literature in individuals affected with CACNA1E-related conditions. ClinVar contains an entry for this variant (Variation ID: 1354247). Advanced modeling of protein sequence and biophysical properties (such as structural, functional, and spatial information, amino acid conservation, physicochemical variation, residue mobility, and thermodynamic stability) performed at Invitae indicates that this missense variant is expected to disrupt CACNA1E protein function with a positive predictive value of 80%. In summary, the available evidence is currently insufficient to determine the role of this variant in disease. Therefore, it has been classified as a Variant of Uncertain Significance.

NM_001205293.3(CACNA1E):c.180G>T (p.Gln60His)

Gene: CACNA1E (calcium voltage-gated channel subunit alpha1 E; plus strand). Cytogenetic location: 1q25.3.
Variant type: single nucleotide variant.
Coding change: c.180G>T on transcript NM_001205293.3 (MANE Select); coding-DNA position 180, G replaced by T.
Protein change: p.Gln60His; replaces glutamine 60 with histidine.
Molecular consequence: missense variant.
Genome position (GRCh38, 1-based): chr1:181,483,924, G>T. VCF-style: chr1-181483924-G-T. GRCh37 (hg19) VCF-style: chr1-181453060-G-T.
Other names: c.180G>T, p.Gln60His (NM_000721.4, NM_001205294.2); short protein forms Q60H.
Identifiers: ClinVar variation 1354247 (VCV001354247.6), dbSNP rs2102469173, ClinGen allele CA343844511.